The following is an entry in ClinVar:

ClinVar aggregate classification (germline): Uncertain significance (1 of 4 stars; one submission).

Submission:

GeneDx
Classification: Uncertain significance. Last evaluated: 2023-06-23. Review status: criteria provided, single submitter. Criteria: GeneDx Variant Classification Process June 2021. Collection method: clinical testing. Allele origin: germline. Affected: yes.
Comment: Not observed at significant frequency in large population cohorts (gnomAD); In silico analysis supports that this missense variant has a deleterious effect on protein structure/function; Has not been previously published as pathogenic or benign to our knowledge

NM_001429.4(EP300):c.1514C>A (p.Pro505His)

Gene: EP300 (E1A binding protein p300; plus strand). Cytogenetic location: 22q13.2.
Variant type: single nucleotide variant.
Coding change: c.1514C>A on transcript NM_001429.4 (MANE Select); coding-DNA position 1514, C replaced by A.
Protein change: p.Pro505His; replaces proline 505 with histidine.
Molecular consequence: missense variant.
Genome position (GRCh38, 1-based): chr22:41,131,619, C>A. VCF-style: chr22-41131619-C-A. GRCh37 (hg19) VCF-style: chr22-41527623-C-A.
Other names: c.1514C>A, p.Pro505His (NM_001362843.2); short protein forms P505H.
Identifiers: ClinVar variation 3360381 (VCV003360381.1).